The following is an entry in ClinVar:

ClinVar aggregate classification (germline): Conflicting classifications of pathogenicity. Review status: criteria provided, conflicting classifications (1 of 4 stars). 4 submissions from 4 submitters: Uncertain significance (3); Likely benign (1). Last evaluated 2025-11-12.

Conditions:
Primary ciliary dyskinesia. Also called: Ciliary dyskinesia. Identifiers: Orphanet 244, MedGen C0008780, MONDO:0016575, HP:0012265.
Orofaciodigital syndrome I (OFD1). Also called: OFDS I; Oral-Facial-Digital Syndrome Type I; Papillon-Leage and Psaume Syndrome. Identifiers: Orphanet 2750, MedGen C1510460, MONDO:0010702, OMIM 311200.
Joubert syndrome. Also called: JOUBERT-BOLTSHAUSER SYNDROME; Familial aplasia of the vermis. Identifiers: Orphanet 475, MedGen C5979921, MONDO:0018772.

Allele frequency attached by ClinVar (database versions not stated): gnomAD exomes 0.00002 and 0.00004; ExAC 0.00004; gnomAD 0.00005 and 0.00008; TOPMed 0.00010.
gnomAD v4.1: 19 of 1,199,671 alleles (0.0016%); highest among the groups gnomAD compares: Admixed American, 0.024%; no homozygotes.

Submissions (4):

Labcorp Genetics (formerly Invitae), Labcorp
Classification: Uncertain significance for Orofaciodigital syndrome I; Joubert syndrome. Last evaluated: 2025-11-12. Review status: criteria provided, single submitter. Criteria: Invitae Variant Classification Sherloc (09022015). Collection method: clinical testing. Allele origin: germline.
Comment: This sequence change replaces isoleucine, which is neutral and non-polar, with valine, which is neutral and non-polar, at codon 227 of the OFD1 protein (p.Ile227Val). This variant is present in population databases (rs748477774, gnomAD 0.02%). This missense change has been observed in individual(s) with clinical features of primary ciliary dyskinesia (internal data). ClinVar contains an entry for this variant (Variation ID: 943172). Invitae Evidence Modeling of protein sequence and biophysical properties (such as structural, functional, and spatial information, amino acid conservation, physicochemical variation, residue mobility, and thermodynamic stability) indicates that this missense variant is not expected to disrupt OFD1 protein function with a negative predictive value of 80%. In summary, the available evidence is currently insufficient to determine the role of this variant in disease. Therefore, it has been classified as a Variant of Uncertain Significance.

Blueprint Genetics
Classification: Likely benign. Last evaluated: 2021-06-09. Review status: criteria provided, single submitter. Criteria: ACMG Guidelines, 2015. Collection method: clinical testing. Allele origin: germline.

Ambry Genetics
Classification: Uncertain significance for Primary ciliary dyskinesia. Last evaluated: 2020-01-09. Review status: criteria provided, single submitter. Criteria: Ambry Variant Classification Scheme 2023. Collection method: clinical testing. Allele origin: germline.
Comment: The p.I227V variant (also known as c.679A>G), located in coding exon 8 of the OFD1 gene, results from an A to G substitution at nucleotide position 679. The isoleucine at codon 227 is replaced by valine, an amino acid with highly similar properties. This amino acid position is well conserved in available vertebrate species. In addition, this alteration is predicted to be tolerated by in silico analysis. Since supporting evidence is limited at this time, the clinical significance of this alteration remains unclear.

GeneDx
Classification: Uncertain significance. Last evaluated: 2019-10-08. Review status: criteria provided, single submitter. Criteria: GeneDx Variant Classification Process June 2021. Collection method: clinical testing. Allele origin: germline. Affected: yes.
Comment: Has not been previously published as pathogenic or benign to our knowledge; In silico analysis, which includes splice predictors and evolutionary conservation, suggests this variant may impact gene splicing. In the absence of RNA/functional studies, the actual effect of this sequence change is unknown.

NM_003611.3(OFD1):c.679A>G (p.Ile227Val)

Gene: OFD1 (OFD1 centriole and centriolar satellite protein; plus strand). Cytogenetic location: Xp22.2.
Variant type: single nucleotide variant.
Coding change: c.679A>G on transcript NM_003611.3 (MANE Select); coding-DNA position 679, A replaced by G.
Protein change: p.Ile227Val; replaces isoleucine 227 with valine.
Molecular consequence: missense variant.
Genome position (GRCh38, 1-based): chrX:13,746,804, A>G. VCF-style: chrX-13746804-A-G. GRCh37 (hg19) VCF-style: chrX-13764923-A-G.
Other names: c.679A>G, p.Ile227Val (NM_001330209.2); c.259A>G, p.Ile87Val (NM_001330210.2); short protein forms I227V, I87V.
Identifiers: ClinVar variation 943172 (VCV000943172.13), dbSNP rs748477774, ClinGen allele CA10351673.